The following is an entry in ClinVar:

ClinVar aggregate classification (germline): Uncertain significance (1 of 4 stars; one submission).

Submission:

GeneDx
Classification: Uncertain significance. Last evaluated: 2023-12-13. Review status: criteria provided, single submitter. Criteria: GeneDx Variant Classification Process June 2021. Collection method: clinical testing. Allele origin: germline. Affected: yes.
Comment: Not observed at significant frequency in large population cohorts (gnomAD); Initiation codon variant in a gene for which loss of function is a known mechanism of disease; Has not been previously published as pathogenic or benign to our knowledge

NM_001792.5(CDH2):c.3G>C (p.Met1Ile)

Gene: CDH2 (cadherin 2; minus strand). Cytogenetic location: 18q12.1.
Variant type: single nucleotide variant.
Coding change: c.3G>C on transcript NM_001792.5 (MANE Select); coding-DNA position 3, G replaced by C.
Protein change: p.Met1Ile; changes the start codon (methionine 1).
Molecular consequence: missense variant, initiator codon variant.
Genome position (GRCh38, 1-based): chr18:28,177,020, C>G on the plus strand (G>C on the coding strand, the complement: CDH2 is on the minus strand). VCF-style: chr18-28177020-C-G. GRCh37 (hg19) VCF-style: chr18-25756984-C-G.
Other names: short protein forms M1I.
Identifiers: ClinVar variation 3365573 (VCV003365573.1).